The following is an entry in ClinVar:

NM_001042492.3(NF1):c.1720A>C (p.Ser574Arg)

Gene: NF1 (neurofibromin 1; plus strand). Cytogenetic location: 17q11.2.
Variant type: single nucleotide variant.
Coding change: c.1720A>C on transcript NM_001042492.3 (MANE Select); coding-DNA position 1720, A replaced by C.
Protein change: p.Ser574Arg; replaces serine 574 with arginine.
Molecular consequence: missense variant. On other transcripts: synonymous variant (1).
Genome position (GRCh38, 1-based): chr17:31,221,928, A>C. VCF-style: chr17-31221928-A-C. GRCh37 (hg19) VCF-style: chr17-29548946-A-C.
Other names: NF1; c.1720A>C, p.Ser574Arg (NM_000267.4); c.1720A>C, p.Arg574= (NM_001128147.3); short protein forms S574R.
Identifiers: ClinVar variation 996216 (VCV000996216.10), dbSNP rs2066929440, ClinGen allele CA399002385.

ClinVar aggregate classification (germline): Conflicting classifications of pathogenicity. Review status: criteria provided, conflicting classifications (1 of 4 stars). 2 submissions from 2 submitters: Pathogenic (1); Uncertain significance (1). Last evaluated 2020-12-23.

Conditions:
Neurofibromatosis, type 1 (NF1). Also called: Neurofibromatosis, type I; VON RECKLINGHAUSEN DISEASE; NEUROFIBROMATOSIS, TYPE I, SOMATIC; Peripheral type neurofibromatosis. Identifiers: Orphanet 636, MedGen C0027831, MONDO:0018975, OMIM 162200. Disease mechanism: loss of function.

Submissions (2):

Labcorp Genetics (formerly Invitae), Labcorp
Classification: Uncertain significance for Neurofibromatosis, type 1. Last evaluated: 2020-12-23. Review status: criteria provided, single submitter. Criteria: Invitae Variant Classification Sherloc (09022015). Collection method: clinical testing. Allele origin: germline.
Comment: In summary, the available evidence is currently insufficient to determine the role of this variant in disease. Therefore, it has been classified as a Variant of Uncertain Significance. Algorithms developed to predict the effect of missense changes on protein structure and function (SIFT, PolyPhen-2, Align-GVGD) all suggest that this variant is likely to be tolerated, but these predictions have not been confirmed by published functional studies and their clinical significance is uncertain. This sequence change replaces serine with arginine at codon 574 of the NF1 protein (p.Ser574Arg). The serine residue is moderately conserved and there is a moderate physicochemical difference between serine and arginine. This variant has been observed in individual(s) with clinical features of neurofibromatosis type 1 (PMID: 29673180). This variant is not present in population databases (ExAC no frequency).

Swedish Neurofibromatosis Center, Swedish Medical Center
Classification: Pathogenic for Neurofibromatosis, type 1. Last evaluated: 2020-12-15. Review status: criteria provided, single submitter. Criteria: ACMG Guidelines, 2015. Collection method: clinical testing. Allele origin: de novo. Affected: yes. Observed: 1 variant allele, 1 heterozygote.
Comment: PS1: Same amino acid change as a previously established pathogenic variant regardless of nucleotide change. PM2: Absent from controls (or at extremely low frequency if recessive) in Exome Sequencing Project, 1000 Genomes Project, or Exome Aggregation Consortium. PM5: Novel missense change at an amino acid residue where a different missense change determined to be pathogenic has been seen before. PP2: Missense variant in a gene that has a low rate of benign missense variation and in which missense variants are a common mechanism of disease. PP3: Multiple lines of computational evidence support a deleterious effect on the gene or gene product (conservation, evolutionary, splicing impact, etc.). PP5: Reputable source recently reports variant as pathogenic, but the evidence is not available to the laboratory to perform an independent evaluation.

Literature cited by the submitters: PubMed 29673180 (cited by Labcorp Genetics (formerly Invitae), Labcorp).